The following is an entry in ClinVar:

NM_000059.4(BRCA2):c.3188A>G (p.Gln1063Arg)

Gene: BRCA2 (BRCA2 DNA repair associated; plus strand). Cytogenetic location: 13q13.1.
Variant type: single nucleotide variant.
Coding change: c.3188A>G on transcript NM_000059.4 (MANE Select); coding-DNA position 3188, A replaced by G.
Protein change: p.Gln1063Arg; replaces glutamine 1063 with arginine.
Molecular consequence: missense variant.
Genome position (GRCh38, 1-based): chr13:32,337,543, A>G. VCF-style: chr13-32337543-A-G. GRCh37 (hg19) VCF-style: chr13-32911680-A-G.
Other names: short protein forms Q1063R.
Identifiers: ClinVar variation 220008 (VCV000220008.40), dbSNP rs775030825, ClinGen allele CA350658.
Genomic context (GRCh38, chr13:32,337,543, plus strand): 5'-CTTGTGTTGAAATTGTAAATACCTTGGCATTAGATAATCAAAAGAAACTGAGCAAGCCTC[A>G]GTCAATTAATACTGTATCTGCACATTTACAGAGTAGTGTAGTTGTTTCTGATTGTAAAAA-3'
Protein context (NP_000050.3, residues 1053-1073): LDNQKKLSKP[Gln1063Arg]SINTVSAHLQ

ClinVar aggregate classification (germline): Conflicting classifications of pathogenicity. Review status: criteria provided, conflicting classifications (1 of 4 stars). 10 submissions from 10 submitters: Uncertain significance (7); Likely benign (1). 2 of the submissions do not count toward it. Last evaluated 2026-06-01.

Conditions:
BRCA2-related disorder. Also called: BRCA2-related condition; BRCA2-related disorders. Identifiers: MedGen CN239275.
Hereditary cancer-predisposing syndrome. Also called: Neoplastic Syndromes, Hereditary; Hereditary Cancer Syndrome; Tumor predisposition; Hereditary neoplastic syndrome. Identifiers: Orphanet 140162, MedGen C0027672, MeSH D009386, MONDO:0015356.
Hereditary breast ovarian cancer syndrome. Also called: BRCA1- and BRCA2-Associated Hereditary Breast and Ovarian Cancer; Hereditary breast and ovarian cancer syndrome (HBOC); Hereditary breast and ovarian cancer syndrome; Hereditary breast and ovarian cancer; Hereditary breast and/or ovarian cancer syndrome; Breast and ovarian cancer. Identifiers: Orphanet 145, MedGen C0677776, MeSH D061325, MONDO:0003582. Disease mechanism: loss of function.
Breast-ovarian cancer, familial, susceptibility to, 2 (BROVCA2). Also called: BRCA2 Hereditary Breast and Ovarian Cancer. Identifiers: Orphanet 145, MedGen C2675520, MONDO:0012933, OMIM 612555. Disease mechanism: loss of function.
Malignant tumor of breast. Also called: Malignant breast neoplasm; Cancer breast. Identifiers: MedGen C0006142, MONDO:0007254. Disease mechanism: loss of function.

Allele frequency attached by ClinVar (database versions not stated): ExAC 0.00001; gnomAD exomes 0.00001; TOPMed 0.00001.
gnomAD v4.1: 3 of 1,608,330 alleles (0.00019%); highest among the groups gnomAD compares: Admixed American, 0.0017%; no homozygotes.

Submissions (10):

CeGaT Center for Human Genetics Tuebingen
Classification: Uncertain significance. Last evaluated: 2026-06-01. Review status: criteria provided, single submitter. Criteria: CeGaT Center For Human Genetics Tuebingen Variant Classification Criteria Version 2. Collection method: clinical testing. Allele origin: germline. Affected: yes. Observed: 1 variant allele.
Comment: BRCA2: PM2, BP1, BP4

Labcorp Genetics (formerly Invitae), Labcorp
Classification: Uncertain significance for Hereditary breast ovarian cancer syndrome. Last evaluated: 2025-11-27. Review status: criteria provided, single submitter. Criteria: Invitae Variant Classification Sherloc (09022015). Collection method: clinical testing. Allele origin: germline.
Comment: This sequence change replaces glutamine, which is neutral and polar, with arginine, which is basic and polar, at codon 1063 of the BRCA2 protein (p.Gln1063Arg). This variant is present in population databases (rs775030825, gnomAD 0.003%). This missense change has been observed in individual(s) with clinical features of BRCA2-related conditions (PMID: 35260348, 35534704). ClinVar contains an entry for this variant (Variation ID: 220008). Invitae Evidence Modeling of protein sequence and biophysical properties (such as structural, functional, and spatial information, amino acid conservation, physicochemical variation, residue mobility, and thermodynamic stability) indicates that this missense variant is not expected to disrupt BRCA2 protein function with a negative predictive value of 95%. In summary, the available evidence is currently insufficient to determine the role of this variant in disease. Therefore, it has been classified as a Variant of Uncertain Significance.

Ambry Genetics
Classification: Uncertain significance for Hereditary cancer-predisposing syndrome. Last evaluated: 2025-11-16. Review status: criteria provided, single submitter. Criteria: Ambry Variant Classification Scheme 2023. Collection method: clinical testing. Allele origin: germline.
Comment: The p.Q1063R variant (also known as c.3188A>G), located in coding exon 10 of the BRCA2 gene, results from an A to G substitution at nucleotide position 3188. The glutamine at codon 1063 is replaced by arginine, an amino acid with highly similar properties. In one study, this variant was reported in 0/60,466 breast cancer cases and in 3/53,461 controls (Dorling et al. N Engl J Med. 2021 02;384:428-439). This amino acid position is not well conserved in available vertebrate species. In addition, this alteration is predicted to be tolerated by in silico analysis. Since supporting evidence is limited at this time, the clinical significance of this alteration remains unclear.

Women's Health and Genetics/Laboratory Corporation of America, LabCorp
Classification: Uncertain significance. Last evaluated: 2025-08-12. Review status: criteria provided, single submitter. Criteria: LabCorp Variant Classification Summary - May 2015. Collection method: clinical testing. Allele origin: germline.
Comment: Variant summary: BRCA2 c.3188A>G (p.Gln1063Arg) results in a conservative amino acid change in the encoded protein sequence. Algorithms developed to predict the effect of missense changes on protein structure and function all suggest that this variant is likely to be tolerated. The variant allele was found at a frequency of 1.4e-05 in 354064 control chromosomes. The available data on variant occurrences in the general population are insufficient to allow any conclusion about variant significance. c.3188A>G has been reported in the literature an individual affected with breast cancer who also carried a pathogenic BRCA1 variant (deOliveira_2022) To our knowledge, no experimental evidence demonstrating an impact on protein function has been reported. The following publications have been ascertained in the context of this evaluation (PMID: 33471991, 35260348, 35534704). ClinVar contains an entry for this variant (Variation ID: 220008). Based on the evidence outlined above, the variant was classified as uncertain significance.

All of Us Research Program, National Institutes of Health
Classification: Uncertain significance for Breast-ovarian cancer, familial, susceptibility to, 2. Last evaluated: 2023-08-15. Review status: criteria provided, single submitter. Criteria: ACMG Guidelines, 2015. Collection method: clinical testing. Allele origin: germline. Inheritance: Autosomal dominant inheritance. Observed: 2 variant alleles, 2 heterozygotes.
Comment: This missense variant replaces glutamine with arginine at codon 1063 of the BRCA2 protein. Computational prediction suggests that this variant may not impact protein structure and function (internally defined REVEL score threshold <= 0.5, PMID: 27666373). To our knowledge, functional studies have not been reported for this variant. This variant has not been reported in individuals affected with BRCA2-related disorders in the literature. This variant has been identified in 2/247142 chromosomes in the general population by the Genome Aggregation Database (gnomAD). The available evidence is insufficient to determine the role of this variant in disease conclusively. Therefore, this variant is classified as a Variant of Uncertain Significance.

This study involves interpretation of variants in research participants for the purpose of population health screening. Participant phenotype was not available at the time of variant classification. Additional details can be found in publication PMID: 35346344, PMCID: PMC8962531

Color Diagnostics, LLC DBA Color Health
Classification: Uncertain significance for Hereditary cancer-predisposing syndrome. Last evaluated: 2023-04-05. Review status: criteria provided, single submitter. Criteria: ACMG Guidelines, 2015. Collection method: clinical testing. Allele origin: germline.
Comment: This missense variant replaces glutamine with arginine at codon 1063 of the BRCA2 protein. Computational prediction suggests that this variant may not impact protein structure and function (internally defined REVEL score threshold <= 0.5, PMID: 27666373). To our knowledge, functional studies have not been reported for this variant. This variant has not been reported in individuals affected with BRCA2-related disorders in the literature. This variant has been identified in 2/247142 chromosomes in the general population by the Genome Aggregation Database (gnomAD). The available evidence is insufficient to determine the role of this variant in disease conclusively. Therefore, this variant is classified as a Variant of Uncertain Significance.

University of Washington Department of Laboratory Medicine, University of Washington
Classification: Likely benign for Hereditary cancer-predisposing syndrome. Last evaluated: 2023-03-23. Review status: criteria provided, single submitter. Criteria: Dines et al. (Genet Med. 2020). Collection method: curation. Allele origin: germline.
Comment: Missense variant in a coldspot region where missense variants are very unlikely to be pathogenic (PMID:31911673).

BRCA2 exon 11 coldspot. Reclassification based on statistical prior probability.

Quest Diagnostics Nichols Institute San Juan Capistrano
Classification: Uncertain significance. Last evaluated: 2023-01-27. Review status: criteria provided, single submitter. Criteria: Quest Diagnostics criteria. Collection method: clinical testing. Allele origin: unknown.
Comment: The frequency of this variant in the general population, 0.0000081 (2/247142 chromosomes), is uninformative in assessment of its pathogenicity. In a large-scale breast cancer association study, the variant was observed in unaffected control individuals (PMID: 33471991 (2021)). Analysis of this variant using bioinformatics tools for the prediction of the effect of amino acid changes on protein structure and function yielded conflicting predictions that this variant is benign or damaging. Based on the available information, we are unable to determine the clinical significance of this variant.

PreventionGenetics, part of Exact Sciences
Classification: Uncertain significance for BRCA2-related condition. Last evaluated: 2024-01-10. Review status: no assertion criteria provided. Collection method: clinical testing. Allele origin: germline. Not counted in ClinVar's aggregate classification.
Comment: The BRCA2 c.3188A>G variant is predicted to result in the amino acid substitution p.Gln1063Arg. To our knowledge, this variant has not been reported in patients with breast/ovarian cancer but has been detected in three of 53,461 healthy control individuals in a large case-control study (Breast Cancer Association Consortium et al. 2021. PubMed ID: 33471991). This variant is reported in 0.0030% of alleles in individuals of Latino descent in gnomAD and has conflicting interpretations in ClinVar ranging from likely benign to uncertain. This variant occurs within a region of the BRCA2 gene that is predicted to be tolerant to missense variation (Table 2, Dines et al. 2020. PubMed ID: 31911673). At this time, the clinical significance of this variant is uncertain due to the absence of conclusive functional and genetic evidence.

Department of Pathology and Laboratory Medicine, Sinai Health System
Classification: Uncertain significance for Malignant tumor of breast. Review status: no assertion criteria provided. Collection method: clinical testing. Allele origin: unknown. Affected: yes. Study: The Canadian Open Genetics Repository (COGR). Not counted in ClinVar's aggregate classification.
Comment: The BRCA2 p.Gln1063Arg variant was not identified in the literature but was listed in UMD four times as an unclassified variant. The p.Gln1063 residue is not conserved in mammals and lower organisms and computational analyses (PolyPhen-2, SIFT, AlignGVGD, BLOSUM) provide inconsistent predictions regarding the impact of the variant amino acid to the protein; this information is not very predictive of pathogenicity. In summary, based on the above information, the clinical significance of this variant cannot be determined with certainty at this time. This variant is classified as a variant of unknown significance.

Literature cited by the submitters: PubMed 35260348 (cited by Labcorp Genetics (formerly Invitae), Labcorp and Women's Health and Genetics/Laboratory Corporation of America, LabCorp); PubMed 35534704 (cited by Labcorp Genetics (formerly Invitae), Labcorp and Women's Health and Genetics/Laboratory Corporation of America, LabCorp); PubMed 33471991 (cited by 3 submitters); PubMed 25348012 (cited by Quest Diagnostics Nichols Institute San Juan Capistrano).